The following is an entry in ClinVar:

NM_001365276.2(TNXB):c.10053C>T (p.Asp3351=)

Gene: TNXB (tenascin XB; minus strand). Cytogenetic location: 6p21.33.
Variant type: single nucleotide variant.
Coding change: c.10053C>T on transcript NM_001365276.2 (MANE Select); coding-DNA position 10053, C replaced by T.
Protein change: p.Asp3351=; no amino-acid change (aspartic acid 3351 retained).
Molecular consequence: synonymous variant.
Genome position (GRCh38, 1-based): chr6:32,048,005, G>A on the plus strand (C>T on the coding strand, the complement: TNXB is on the minus strand). VCF-style: chr6-32048005-G-A. GRCh37 (hg19) VCF-style: chr6-32015782-G-A.
Other names: c.10047C>T, p.Asp3349= (NM_019105.8).
Identifiers: ClinVar variation 1777376 (VCV001777376.26), dbSNP rs758714743, ClinGen allele CA3733314.

ClinVar aggregate classification (germline): Likely benign. Review status: criteria provided, multiple submitters, no conflicts (2 of 4 stars). 2 submissions from 2 submitters: Likely benign (2). Last evaluated 2023-05-01.

Conditions:
Cardiovascular phenotype. Identifiers: MedGen CN230736.

Allele frequency attached by ClinVar (database versions not stated): ExAC 0.00001; gnomAD 0.00002; TOPMed 0.00002; gnomAD exomes 0.00005.
gnomAD v4.1: 72 of 1,605,010 alleles (0.0045%); highest among the groups gnomAD compares: Non-Finnish European, 0.006%; no homozygotes.

Submissions (2):

CeGaT Center for Human Genetics Tuebingen
Classification: Likely benign. Last evaluated: 2023-05-01. Review status: criteria provided, single submitter. Criteria: CeGaT Center For Human Genetics Tuebingen Variant Classification Criteria Version 2. Collection method: clinical testing. Allele origin: germline. Affected: yes. Observed: 1 variant allele.
Comment: TNXB: BP4, BP7

Ambry Genetics
Classification: Likely benign for Cardiovascular phenotype. Last evaluated: 2021-12-08. Review status: criteria provided, single submitter. Criteria: Ambry Variant Classification Scheme 2023. Collection method: clinical testing. Allele origin: germline.